The following is an entry in ClinVar:

ClinVar aggregate classification (germline): Uncertain significance (1 of 4 stars; one submission).

Conditions:
Melanoma, cutaneous malignant, susceptibility to, 8. Also called: MELANOMA AND RENAL CELL CARCINOMA, SUSCEPTIBILITY TO; Cutaneous malignant melanoma 8. Identifiers: Orphanet 293822, MedGen C3152204, MONDO:0013759, OMIM 614456.
Tietz syndrome (TADS). Also called: ALBINISM-DEAFNESS OF TIETZ; HYPOPIGMENTATION/DEAFNESS OF TIETZ; TIETZ ALBINISM-DEAFNESS SYNDROME. Identifiers: Orphanet 42665, MedGen C0391816, MONDO:0007077, OMIM 103500.
Waardenburg syndrome type 2A (WS2A). Also called: WAARDENBURG SYNDROME WITHOUT DYSTOPIA CANTHORUM. Identifiers: Orphanet 3440, MedGen C1860339, MONDO:0008671, OMIM 193510.

Submission:

Labcorp Genetics (formerly Invitae), Labcorp
Classification: Uncertain significance for Melanoma, cutaneous malignant, susceptibility to, 8; Waardenburg syndrome type 2A; Tietz syndrome. Last evaluated: 2024-11-05. Review status: criteria provided, single submitter. Criteria: Invitae Variant Classification Sherloc (09022015). Collection method: clinical testing. Allele origin: germline.
Comment: This sequence change replaces aspartic acid, which is acidic and polar, with tyrosine, which is neutral and polar, at codon 334 of the MITF protein (p.Asp334Tyr). This variant is not present in population databases (gnomAD no frequency). This variant has not been reported in the literature in individuals affected with MITF-related conditions. Invitae Evidence Modeling of protein sequence and biophysical properties (such as structural, functional, and spatial information, amino acid conservation, physicochemical variation, residue mobility, and thermodynamic stability) indicates that this missense variant is not expected to disrupt MITF protein function with a negative predictive value of 80%. In summary, the available evidence is currently insufficient to determine the role of this variant in disease. Therefore, it has been classified as a Variant of Uncertain Significance.

NM_001354604.2(MITF):c.1321G>T (p.Asp441Tyr)

Gene: MITF (melanocyte inducing transcription factor; plus strand). Cytogenetic location: 3p13.
Variant type: single nucleotide variant.
Coding change: c.1321G>T on transcript NM_001354604.2 (MANE Select); coding-DNA position 1321, G replaced by T.
Protein change: p.Asp441Tyr; replaces aspartic acid 441 with tyrosine.
Molecular consequence: missense variant.
Genome position (GRCh38, 1-based): chr3:69,964,988, G>T. VCF-style: chr3-69964988-G-T. GRCh37 (hg19) VCF-style: chr3-70014139-G-T.
Other names: c.1000G>T, p.Asp334Tyr (NM_000248.4); c.1147G>T, p.Asp383Tyr (NM_001184967.2, NM_001354608.2); c.1318G>T, p.Asp440Tyr (NM_001354605.2); c.1300G>T, p.Asp434Tyr (NM_001354606.2, NM_006722.3); c.1252G>T, p.Asp418Tyr (NM_001354607.2); c.982G>T, p.Asp328Tyr (NM_198158.3); c.1303G>T, p.Asp435Tyr (NM_198159.3); c.1255G>T, p.Asp419Tyr (NM_198177.3); and 1 more; short protein forms D272Y, D328Y, D334Y, D383Y, D418Y, D419Y, D434Y, D435Y.
Identifiers: ClinVar variation 3758371 (VCV003758371.2).